The following is an entry in ClinVar:

NM_024753.5(TTC21B):c.913A>G (p.Ile305Val)

Gene: TTC21B (tetratricopeptide repeat domain 21B; minus strand). Cytogenetic location: 2q24.3.
Variant type: single nucleotide variant.
Coding change: c.913A>G on transcript NM_024753.5 (MANE Select); coding-DNA position 913, A replaced by G.
Protein change: p.Ile305Val; replaces isoleucine 305 with valine.
Molecular consequence: missense variant.
Genome position (GRCh38, 1-based): chr2:165,930,346, T>C on the plus strand (A>G on the coding strand, the complement: TTC21B is on the minus strand). VCF-style: chr2-165930346-T-C. GRCh37 (hg19) VCF-style: chr2-166786856-T-C.
Other names: c.913A>G (NM_024753.3); short protein forms I305V.
Identifiers: ClinVar variation 942551 (VCV000942551.11), dbSNP rs140899101, ClinGen allele CA1942284.

ClinVar aggregate classification (germline): Conflicting classifications of pathogenicity. Review status: criteria provided, conflicting classifications (1 of 4 stars). 5 submissions from 5 submitters: Uncertain significance (3); Benign (1); Likely benign (1). Last evaluated 2025-02-16.

Conditions:
Inborn genetic diseases. Identifiers: MedGen C0950123, MeSH D030342.
Asphyxiating thoracic dystrophy 4 (SRTD4). Also called: SHORT-RIB THORACIC DYSPLASIA 4 WITH OR WITHOUT POLYDACTYLY; SHORT-RIB THORACIC DYSPLASIA 4. Identifiers: Orphanet 474, MedGen C3151185, MONDO:0013441, OMIM 613819.
Nephronophthisis 12 (NPHP12). Identifiers: Orphanet 655, MedGen C3151186, MONDO:0013442, OMIM 613820.
TTC21B-related disorder. Also called: TTC21B-related disorders; TTC21B-related condition.
Jeune thoracic dystrophy. Also called: Jeune syndrome; Infantile thoracic dystrophy; Thoracic pelvic phalangeal dystrophy; Jeune's syndrome; Chondroectodermal dysplasia-like syndrome; Short-rib thoracic dysplasia. Identifiers: Orphanet 474, MedGen C0265275, MONDO:0018770.
Nephronophthisis. Also called: Juvenile Nephronophthisis. Identifiers: Orphanet 655, MedGen C0687120, MONDO:0019005, HP:0000090.

Allele frequency attached by ClinVar (database versions not stated): ExAC 0.00028; 1000 Genomes Project 30x 0.00031; 1000 Genomes Project 0.00040; gnomAD 0.00004 and 0.00010; TOPMed 0.00006; gnomAD exomes 0.00013 and 0.00023; ESP Exome Variant Server 0.00015.
gnomAD v4.1: 201 of 1,611,780 alleles (0.012%); highest among the groups gnomAD compares: South Asian, 0.12%; no homozygotes.

Submissions (5):

PreventionGenetics, part of Exact Sciences
Classification: Uncertain significance for TTC21B-related condition. Last evaluated: 2025-02-16. Review status: criteria provided, single submitter. Criteria: ACMG Guidelines, 2015. Collection method: clinical testing. Allele origin: germline.
Comment: The TTC21B c.913A>G variant is predicted to result in the amino acid substitution p.Ile305Val. To our knowledge, this variant has not been reported in the literature. This variant is reported in 0.12% of alleles in individuals of South Asian descent in gnomAD. Although we suspect that this variant may be benign, at this time, the clinical significance of this variant is uncertain due to the absence of conclusive functional and genetic evidence.

Labcorp Genetics (formerly Invitae), Labcorp
Classification: Likely benign for Jeune thoracic dystrophy; Nephronophthisis. Last evaluated: 2024-11-11. Review status: criteria provided, single submitter. Criteria: Invitae Variant Classification Sherloc (09022015). Collection method: clinical testing. Allele origin: germline.

Blueprint Genetics
Classification: Benign. Last evaluated: 2024-09-19. Review status: criteria provided, single submitter. Criteria: ACMG Guidelines, 2015. Collection method: clinical testing. Allele origin: germline.

Ambry Genetics
Classification: Uncertain significance for Inborn genetic diseases. Last evaluated: 2021-10-22. Review status: criteria provided, single submitter. Criteria: Ambry Variant Classification Scheme 2023. Collection method: clinical testing. Allele origin: germline.

Fulgent Genetics
Classification: Uncertain significance for Asphyxiating thoracic dystrophy 4; Nephronophthisis 12. Last evaluated: 2021-09-27. Review status: criteria provided, single submitter. Criteria: ACMG Guidelines, 2015. Collection method: clinical testing. Allele origin: unknown.